The following is an entry in ClinVar:

NM_001111.5(ADAR):c.1096_1097del (p.Lys366fs)

Gene: ADAR (adenosine deaminase RNA specific; minus strand). Cytogenetic location: 1q21.3.
Variant type: Deletion.
Coding change: c.1096_1097del on transcript NM_001111.5 (MANE Select); coding-DNA positions 1096 to 1097, 2 bases deleted (AA; older notation c.1096_1097delAA).
Protein change: p.Lys366fs; shifts the reading frame from lysine 366.
Molecular consequence: frameshift variant.
Genome position (GRCh38, 1-based): chr1:154,601,545-154,601,546, TT deleted on the plus strand (AA on the coding strand, the reverse complement: ADAR is on the minus strand). VCF-style (leftmost placement, unchanged base first): chr1-154601544-CTT-C. GRCh37 (hg19) VCF-style: chr1-154574020-CTT-C.
Other names: c.211_212del, p.Lys71fs (NM_001025107.3, NM_001193495.2, NM_001365046.1 and 3 more transcripts); c.1123_1124del, p.Lys375fs (NM_001365045.1); c.1096_1097del, p.Lys366fs (NM_015840.4, NM_015841.4); short protein forms K366fs, K375fs, K71fs.
Identifiers: ClinVar variation 2202849 (VCV002202849.4), dbSNP rs2526653712, ClinGen allele CA2580061170.

ClinVar aggregate classification (germline): Pathogenic (1 of 4 stars; one submission).

Conditions:
Symmetrical dyschromatosis of extremities (DSH). Also called: RETICULATE ACROPIGMENTATION OF DOHI; SYMMETRIC DYSCHROMATOSIS OF THE EXTREMITIES; Dyschromatosis symmetrica hereditaria; DYSCHROMATOSIS SYMMETRICA HEREDITARIA 1. Identifiers: Orphanet 41, MedGen C0406775, MONDO:0007483, OMIM 127400.
Aicardi-Goutieres syndrome 6 (AGS6). Identifiers: Orphanet 51, MedGen C3539013, MONDO:0014007, OMIM 615010.

Allele frequency attached by ClinVar (database versions not stated): gnomAD exomes below 0.00001.

Submission:

Labcorp Genetics (formerly Invitae), Labcorp
Classification: Pathogenic for Aicardi-Goutieres syndrome 6; Symmetrical dyschromatosis of extremities. Last evaluated: 2025-01-08. Review status: criteria provided, single submitter. Criteria: Invitae Variant Classification Sherloc (09022015). Collection method: clinical testing. Allele origin: germline.
Comment: This sequence change creates a premature translational stop signal (p.Lys366Glufs*8) in the ADAR gene. It is expected to result in an absent or disrupted protein product. Loss-of-function variants in ADAR are known to be pathogenic (PMID: 22974014). This variant is not present in population databases (gnomAD no frequency). This premature translational stop signal has been observed in individual(s) with dyschromatosis symmetrica hereditaria (PMID: 20439151). ClinVar contains an entry for this variant (Variation ID: 2202849). For these reasons, this variant has been classified as Pathogenic.

Literature cited by the submitters: PubMed 22974014; PubMed 20439151.